The following is an entry in ClinVar:

NM_006502.3(POLH):c.884+1G>A

Gene: POLH (DNA polymerase eta; plus strand). Cytogenetic location: 6p21.1.
Variant type: single nucleotide variant.
Coding change: c.884+1G>A on transcript NM_006502.3 (MANE Select); the canonical splice donor site of the intron after coding-DNA position 884, G replaced by A.
Molecular consequence: splice donor variant.
Genome position (GRCh38, 1-based): chr6:43,604,012, G>A. VCF-style: chr6-43604012-G-A. GRCh37 (hg19) VCF-style: chr6-43571749-G-A.
Other names: c.884+1G>A (NM_001291970.2); c.512+1G>A (NM_001291969.2).
Identifiers: ClinVar variation 2822823 (VCV002822823.3), dbSNP rs1767008778, ClinGen allele CA364259133.
Genomic context (GRCh38, chr6:43,604,012, plus strand): 5'-GGGTGAACTGACCCAGTTCACTGAATCCCAGCTCCAGAGTCATTTTGGGGAGAAGAATGG[G>A]TAAGTGATTCATTTTTTTTAAAATCATAACCTTTATGGAGATGCTATATTCAAATATAGA-3'

ClinVar aggregate classification (germline): Likely pathogenic (1 of 4 stars; one submission).

Submission:

Labcorp Genetics (formerly Invitae), Labcorp
Classification: Likely pathogenic. Last evaluated: 2022-12-21. Review status: criteria provided, single submitter. Criteria: Invitae Variant Classification Sherloc (09022015). Collection method: clinical testing. Allele origin: germline.
Comment: In summary, the currently available evidence indicates that the variant is pathogenic, but additional data are needed to prove that conclusively. Therefore, this variant has been classified as Likely Pathogenic. Algorithms developed to predict the effect of sequence changes on RNA splicing suggest that this variant may disrupt the consensus splice site. This variant has not been reported in the literature in individuals affected with POLH-related conditions. This variant is not present in population databases (gnomAD no frequency). This sequence change affects a donor splice site in intron 7 of the POLH gene. It is expected to disrupt RNA splicing. Variants that disrupt the donor or acceptor splice site typically lead to a loss of protein function (PMID: 16199547), and loss-of-function variants in POLH are known to be pathogenic (PMID: 11773631, 24130121, 25256075).

Literature cited by the submitters: PubMed 16199547; PubMed 11773631; PubMed 24130121; PubMed 25256075.